The following is an entry in ClinVar:

NM_004006.3(DMD):c.387dup (p.Gly130fs)

Gene: DMD (dystrophin; minus strand). Cytogenetic location: Xp21.1.
Variant type: Duplication.
Coding change: c.387dup on transcript NM_004006.3 (MANE Select); coding-DNA position 387, one base duplicated (T; older notation c.387dupT).
Protein change: p.Gly130fs; shifts the reading frame from glycine 130.
Molecular consequence: frameshift variant.
Genome position (GRCh38, 1-based): chrX:32,816,611, A duplicated on the plus strand (T on the coding strand, the reverse complement: DMD is on the minus strand). VCF-style (leftmost placement, unchanged base first): chrX-32816610-C-CA. GRCh37 (hg19) VCF-style: chrX-32834727-C-CA.
Other names: c.363dup, p.Gly122fs (NM_000109.4); c.375dup, p.Gly126fs (NM_004009.3); c.18dup, p.Gly7fs (NM_004010.3); short protein forms G122fs, G130fs, G7fs, G126fs.
Identifiers: ClinVar variation 1452153 (VCV001452153.6), dbSNP rs2148807654, ClinGen allele CA2573158594.
Genomic context (GRCh38, chrX:32,816,610, plus strand): 5'-TACGAGTTGATTGTCGGACCCAGCTCAGGAGAATCTTTTCACTGTTGGTTTGTTGCAATC[C>CA]AGCCATGATATTTTTCATTACATTTTTGACCTACATGTGGAAATAAATTTTCATAAGAAA-3'

ClinVar aggregate classification (germline): Pathogenic (1 of 4 stars; one submission).

Conditions:
Duchenne muscular dystrophy (DMD). Also called: Duchenne Muscular Dystrophy (DMD); MUSCULAR DYSTROPHY, PSEUDOHYPERTROPHIC PROGRESSIVE, DUCHENNE TYPE. Identifiers: Orphanet 98896, MedGen C0013264, MONDO:0010679, OMIM 310200.

Submission:

Labcorp Genetics (formerly Invitae), Labcorp
Classification: Pathogenic for Duchenne muscular dystrophy. Last evaluated: 2022-08-16. Review status: criteria provided, single submitter. Criteria: Invitae Variant Classification Sherloc (09022015). Collection method: clinical testing. Allele origin: germline.
Comment: This sequence change creates a premature translational stop signal (p.Gly130Trpfs*8) in the DMD gene. It is expected to result in an absent or disrupted protein product. Loss-of-function variants in DMD are known to be pathogenic (PMID: 16770791, 25007885). This variant is not present in population databases (gnomAD no frequency). For these reasons, this variant has been classified as Pathogenic. ClinVar contains an entry for this variant (Variation ID: 1452153). This variant has not been reported in the literature in individuals affected with DMD-related conditions.

Literature cited by the submitters: PubMed 16770791; PubMed 25007885.